The following is an entry in ClinVar:

NM_000022.4(ADA):c.89A>G (p.Tyr30Cys)

Genes: ADA (adenosine deaminase; minus strand), LOC107303343 (adenosine deaminase intronic regulatory elements; plus strand). Cytogenetic location: 20q13.12.
Variant type: single nucleotide variant.
Coding change: c.89A>G on transcript NM_000022.4 (MANE Select); coding-DNA position 89, A replaced by G.
Protein change: p.Tyr30Cys; replaces tyrosine 30 with cysteine.
Molecular consequence: missense variant. On other transcripts: 5 prime UTR variant (1), non-coding transcript variant (1).
Genome position (GRCh38, 1-based): chr20:44,636,233, T>C on the plus strand (A>G on the coding strand, the complement: ADA is on the minus strand). VCF-style: chr20-44636233-T-C. GRCh37 (hg19) VCF-style: chr20-43264874-T-C.
Other names: c.-201A>G (NM_001322050.2); c.89A>G, p.Tyr30Cys (NM_001322051.2); short protein forms Y30C.
Identifiers: ClinVar variation 859280 (VCV000859280.6), dbSNP rs759080719, ClinGen allele CA9871778.

ClinVar aggregate classification (germline): Uncertain significance. Review status: criteria provided, single submitter (1 of 4 stars). 2 submissions from 2 submitters: Uncertain significance (1). 1 of the submissions does not count toward it. Last evaluated 2022-07-05.

Conditions:
Severe combined immunodeficiency, autosomal recessive, T cell-negative, B cell-negative, NK cell-negative, due to adenosine deaminase deficiency. Also called: Adenosine deaminase deficient severe combined immunodeficiency; Severe combined immunodeficiency due to ADA deficiency; Adenosine Deaminase Deficiency; SCID DUE TO ADA DEFICIENCY; SCID DUE TO ADA DEFICIENCY, EARLY-ONSET; ADA-SCID. Identifiers: Orphanet 277, MedGen C0392607, MONDO:0007064, OMIM 102700.

Allele frequency attached by ClinVar (database versions not stated): ExAC 0.00001; gnomAD 0.00003; gnomAD exomes 0.00003; TOPMed 0.00003.
gnomAD v4.1: 45 of 1,609,940 alleles (0.0028%); highest among the groups gnomAD compares: African/African-American, 0.0067%; no homozygotes.

Submissions (2):

Labcorp Genetics (formerly Invitae), Labcorp
Classification: Uncertain significance for Severe combined immunodeficiency, autosomal recessive, T cell-negative, B cell-negative, NK cell-negative, due to adenosine deaminase deficiency. Last evaluated: 2022-07-05. Review status: criteria provided, single submitter. Criteria: Invitae Variant Classification Sherloc (09022015). Collection method: clinical testing. Allele origin: germline.
Comment: This sequence change replaces tyrosine, which is neutral and polar, with cysteine, which is neutral and slightly polar, at codon 30 of the ADA protein (p.Tyr30Cys). This variant is present in population databases (rs759080719, gnomAD 0.01%). This variant has not been reported in the literature in individuals affected with ADA-related conditions. ClinVar contains an entry for this variant (Variation ID: 859280). Advanced modeling of protein sequence and biophysical properties (such as structural, functional, and spatial information, amino acid conservation, physicochemical variation, residue mobility, and thermodynamic stability) performed at Invitae indicates that this missense variant is expected to disrupt ADA protein function. In summary, the available evidence is currently insufficient to determine the role of this variant in disease. Therefore, it has been classified as a Variant of Uncertain Significance.

Natera, Inc.
Classification: Uncertain significance for Severe combined immunodeficiency due to ADA deficiency. Last evaluated: 2020-07-24. Review status: no assertion criteria provided. Collection method: clinical testing. Allele origin: germline. Not counted in ClinVar's aggregate classification.